The following is an entry in ClinVar:

ClinVar aggregate classification (germline): Uncertain significance (1 of 4 stars; one submission).

Conditions:
IFT27-related disorder. Also called: IFT27-related condition.

Submission:

PreventionGenetics, part of Exact Sciences
Classification: Uncertain significance for IFT27-related condition. Last evaluated: 2025-11-23. Review status: criteria provided, single submitter. Criteria: ACMG Guidelines, 2015. Collection method: clinical testing. Allele origin: germline.
Comment: The IFT27 c.53C>T variant is predicted to result in the amino acid substitution p.Thr18Ile. To our knowledge, this variant has not been reported in the literature or in a large population database (gnomAD), indicating this variant is rare. At this time, the clinical significance of this variant is uncertain due to the absence of conclusive functional and genetic evidence.

NM_001177701.3(IFT27):c.56C>T (p.Thr19Ile)

Gene: IFT27 (intraflagellar transport 27; minus strand). Cytogenetic location: 22q12.3.
Variant type: single nucleotide variant.
Coding change: c.56C>T on transcript NM_001177701.3 (MANE Select); coding-DNA position 56, C replaced by T.
Protein change: p.Thr19Ile; replaces threonine 19 with isoleucine.
Molecular consequence: missense variant.
Genome position (GRCh38, 1-based): chr22:36,767,841, G>A on the plus strand (C>T on the coding strand, the complement: IFT27 is on the minus strand). VCF-style: chr22-36767841-G-A. GRCh37 (hg19) VCF-style: chr22-37163885-G-A.
Other names: c.56C>T, p.Thr19Ile (NM_001363003.2); c.53C>T, p.Thr18Ile (NM_006860.5); short protein forms T18I, T19I.
Identifiers: ClinVar variation 4991494 (VCV004991494.1).